The following is an entry in ClinVar:

ClinVar aggregate classification (germline): Uncertain significance (1 of 4 stars; one submission).

Conditions:
Atrioventricular septal defect 4 (AVSD4). Identifiers: MedGen C3280781, MONDO:0013747, OMIM 614430.

Allele frequency attached by ClinVar (database versions not stated): TOPMed below 0.00001; gnomAD 0.00001.

Submission:

Labcorp Genetics (formerly Invitae), Labcorp
Classification: Uncertain significance for Atrioventricular septal defect 4. Last evaluated: 2021-12-15. Review status: criteria provided, single submitter. Criteria: Invitae Variant Classification Sherloc (09022015). Collection method: clinical testing. Allele origin: germline.
Comment: This sequence change replaces alanine, which is neutral and non-polar, with threonine, which is neutral and polar, at codon 129 of the GATA4 protein (p.Ala129Thr). In summary, the available evidence is currently insufficient to determine the role of this variant in disease. Therefore, it has been classified as a Variant of Uncertain Significance. Algorithms developed to predict the effect of missense changes on protein structure and function (SIFT, PolyPhen-2, Align-GVGD) all suggest that this variant is likely to be tolerated. This variant has not been reported in the literature in individuals affected with GATA4-related conditions. This variant is not present in population databases (gnomAD no frequency).

NM_001308093.3(GATA4):c.385G>A (p.Ala129Thr)

Gene: GATA4 (GATA binding protein 4). Cytogenetic location: 8p23.1.
Variant type: single nucleotide variant.
Coding change: c.385G>A on transcript NM_001308093.3 (MANE Select); coding-DNA position 385, G replaced by A.
Protein change: p.Ala129Thr; replaces alanine 129 with threonine.
Molecular consequence: missense variant. On other transcripts: intron variant (3).
Genome position (GRCh38, 1-based): chr8:11,708,697, G>A. VCF-style: chr8-11708697-G-A. GRCh37 (hg19) VCF-style: chr8-11566206-G-A.
Other names: c.385G>A, p.Ala129Thr (NM_002052.5); c.-6+7919G>A (NM_001308094.2); c.-3+683G>A (NM_001374274.1); c.-3+4393G>A (NM_001374273.1); short protein forms A129T.
Identifiers: ClinVar variation 2148024 (VCV002148024.4), dbSNP rs1340426392, ClinGen allele CA370309510.